The following is an entry in ClinVar:

NM_000059.4(BRCA2):c.4578A>C (p.Thr1526=)

Gene: BRCA2 (BRCA2 DNA repair associated; plus strand). Cytogenetic location: 13q13.1.
Variant type: single nucleotide variant.
Coding change: c.4578A>C on transcript NM_000059.4 (MANE Select); coding-DNA position 4578, A replaced by C.
Protein change: p.Thr1526=; no amino-acid change (threonine 1526 retained).
Molecular consequence: synonymous variant.
Genome position (GRCh38, 1-based): chr13:32,338,933, A>C. VCF-style: chr13-32338933-A-C. GRCh37 (hg19) VCF-style: chr13-32913070-A-C.
Identifiers: ClinVar variation 462346 (VCV000462346.19), dbSNP rs202022822, ClinGen allele CA483438051.
Genomic context (GRCh38, chr13:32,338,933, plus strand): 5'-CCAGGGACAACCCGAACGTGATGAAAAGATCAAAGAACCTACTCTATTGGGTTTTCATAC[A>C]GCTAGCGGGAAAAAAGTTAAAATTGCAAAGGAATCTTTGGACAAAGTGAAAAACCTTTTT-3'
Protein context (NP_000050.3, residues 1516-1536): IKEPTLLGFH[Thr1526=]ASGKKVKIAK

ClinVar aggregate classification (germline): Likely benign. Review status: criteria provided, multiple submitters, no conflicts (2 of 4 stars). 3 submissions from 3 submitters: Likely benign (3). Last evaluated 2025-03-26.

Conditions:
Hereditary cancer-predisposing syndrome. Also called: Neoplastic Syndromes, Hereditary; Hereditary Cancer Syndrome; Hereditary neoplastic syndrome; Tumor predisposition. Identifiers: Orphanet 140162, MedGen C0027672, MeSH D009386, MONDO:0015356.
Hereditary breast ovarian cancer syndrome. Also called: Hereditary breast and ovarian cancer syndrome (HBOC); Hereditary breast and ovarian cancer syndrome; Breast and ovarian cancer; Hereditary breast and/or ovarian cancer syndrome; Hereditary breast and ovarian cancer; BRCA1- and BRCA2-Associated Hereditary Breast and Ovarian Cancer. Identifiers: Orphanet 145, MedGen C0677776, MeSH D061325, MONDO:0003582. Disease mechanism: loss of function.

gnomAD v4.1: 1 of 1,613,942 alleles (0.000062%); highest among the groups gnomAD compares: Admixed American, 0.0017%; no homozygotes.

Submissions (3):

Labcorp Genetics (formerly Invitae), Labcorp
Classification: Likely benign for Hereditary breast ovarian cancer syndrome. Last evaluated: 2025-03-26. Review status: criteria provided, single submitter. Criteria: Invitae Variant Classification Sherloc (09022015). Collection method: clinical testing. Allele origin: germline.

GeneDx
Classification: Likely benign. Last evaluated: 2021-06-22. Review status: criteria provided, single submitter. Criteria: GeneDx Variant Classification Process June 2021. Collection method: clinical testing. Allele origin: germline. Affected: yes.
Comment: This variant is associated with the following publications: (PMID: 19747923, 18431501, 18627636, 26992456, 12967658)

Ambry Genetics
Classification: Likely benign for Hereditary cancer-predisposing syndrome. Last evaluated: 2018-09-17. Review status: criteria provided, single submitter. Criteria: Ambry Variant Classification Scheme 2023. Collection method: clinical testing. Allele origin: germline.